The following is an entry in ClinVar:

NM_004963.4(GUCY2C):c.2280del (p.Ser759_Tyr760insTer)

Gene: GUCY2C (guanylate cyclase 2C; minus strand). Cytogenetic location: 12p12.3.
Variant type: Deletion.
Coding change: c.2280del on transcript NM_004963.4 (MANE Select); coding-DNA position 2280, one base deleted (T; older notation c.2280delT).
Protein change: p.Ser759_Tyr760insTer.
Molecular consequence: nonsense.
Genome position (GRCh38, 1-based): chr12:14,625,885, A deleted on the plus strand (T on the coding strand, the reverse complement: GUCY2C is on the minus strand). VCF-style (leftmost placement, unchanged base first): chr12-14625884-TA-T. GRCh37 (hg19) VCF-style: chr12-14778818-TA-T.
Identifiers: ClinVar variation 4696462 (VCV004696462.1).
Genomic context (GRCh38, chr12:14,625,884, plus strand): 5'-CCTCTACCAGATGTTCCAGGTTTCGAGAATATAGCTGTAGACGTCGGATCAAGGTATCCA[TA>T]TAGCTTTCATTTTTTTGGTCATGAAAAAGTCTGTAGGTAGTAATAGATAAAGAGCTCTTA-3'

ClinVar aggregate classification (germline): Uncertain significance (1 of 4 stars; one submission).

Submission:

Labcorp Genetics (formerly Invitae), Labcorp
Classification: Uncertain significance. Last evaluated: 2025-08-18. Review status: criteria provided, single submitter. Criteria: Invitae Variant Classification Sherloc (09022015). Collection method: clinical testing. Allele origin: germline.
Comment: This sequence change creates a premature translational stop signal (p.Tyr760*) in the GUCY2C gene. It is expected to result in an absent or disrupted protein product. However, the current clinical and genetic evidence is not sufficient to establish whether loss-of-function variants in GUCY2C cause disease. This variant is not present in population databases (gnomAD no frequency). This variant has not been reported in the literature in individuals affected with GUCY2C-related conditions. In summary, the available evidence is currently insufficient to determine the role of this variant in disease. Therefore, it has been classified as a Variant of Uncertain Significance.